The following is an entry in ClinVar:

NM_006314.3(CNKSR1):c.1071A>G (p.Val357=)

Gene: CNKSR1 (connector enhancer of kinase suppressor of Ras 1; plus strand). Cytogenetic location: 1p36.11.
Variant type: single nucleotide variant.
Coding change: c.1071A>G on transcript NM_006314.3 (MANE Select); coding-DNA position 1071, A replaced by G.
Protein change: p.Val357=; no amino-acid change (valine 357 retained).
Molecular consequence: synonymous variant.
Genome position (GRCh38, 1-based): chr1:26,184,471, A>G. VCF-style: chr1-26184471-A-G. GRCh37 (hg19) VCF-style: chr1-26510962-A-G.
Other names: c.1092A>G, p.Val364= (NM_001297647.2); c.297A>G, p.Val99= (NM_001297648.2).
Identifiers: ClinVar variation 2638505 (VCV002638505.24), dbSNP rs558527518, ClinGen allele CA700631.

ClinVar aggregate classification (germline): Likely benign (1 of 4 stars; one submission).

Allele frequency attached by ClinVar (database versions not stated): gnomAD exomes 0.00003; ExAC 0.00007; gnomAD 0.00007; TOPMed 0.00007; 1000 Genomes Project 30x 0.00016; 1000 Genomes Project 0.00020.
gnomAD v4.1: 87 of 1,613,256 alleles (0.0054%); highest among the groups gnomAD compares: East Asian, 0.11%; no homozygotes.

Submission:

CeGaT Center for Human Genetics Tuebingen
Classification: Likely benign. Last evaluated: 2023-01-01. Review status: criteria provided, single submitter. Criteria: CeGaT Center For Human Genetics Tuebingen Variant Classification Criteria Version 2. Collection method: clinical testing. Allele origin: germline. Affected: yes. Observed: 1 variant allele.
Comment: CNKSR1: BP4, BP7